The following is an entry in ClinVar:

NM_006343.3(MERTK):c.2466C>T (p.Pro822=)

Gene: MERTK (MER proto-oncogene, tyrosine kinase; plus strand). Cytogenetic location: 2q13.
Variant type: single nucleotide variant.
Coding change: c.2466C>T on transcript NM_006343.3 (MANE Select); coding-DNA position 2466, C replaced by T.
Protein change: p.Pro822=; no amino-acid change (proline 822 retained).
Molecular consequence: synonymous variant.
Genome position (GRCh38, 1-based): chr2:112,022,374, C>T. VCF-style: chr2-112022374-C-T. GRCh37 (hg19) VCF-style: chr2-112779951-C-T.
Other names: c.2466C>T (NM_006343.2).
Identifiers: ClinVar variation 1657754 (VCV001657754.10), dbSNP rs769409793, ClinGen allele CA1831834.

ClinVar aggregate classification (germline): Likely benign. Review status: criteria provided, multiple submitters, no conflicts (2 of 4 stars). 3 submissions from 3 submitters: Likely benign (3). Last evaluated 2025-03-11.

Conditions:
MERTK-related disorder. Also called: MERTK-related condition.

Allele frequency attached by ClinVar (database versions not stated): ExAC 0.00012; gnomAD 0.00001.
gnomAD v4.1: 70 of 1,614,096 alleles (0.0043%); highest among the groups gnomAD compares: South Asian, 0.063%; no homozygotes.

Submissions (3):

PreventionGenetics, part of Exact Sciences
Classification: Likely benign for MERTK-related condition. Last evaluated: 2025-03-11. Review status: criteria provided, single submitter. Criteria: ACMG Guidelines, 2015. Collection method: clinical testing. Allele origin: germline.
Comment: This variant is classified as likely benign based on ACMG/AMP sequence variant interpretation guidelines (Richards et al. 2015 PMID: 25741868, with internal and published modifications).

Blueprint Genetics
Classification: Likely benign. Last evaluated: 2024-04-29. Review status: criteria provided, single submitter. Criteria: ACMG Guidelines, 2015. Collection method: clinical testing. Allele origin: germline.

Labcorp Genetics (formerly Invitae), Labcorp
Classification: Likely benign. Last evaluated: 2022-09-06. Review status: criteria provided, single submitter. Criteria: Invitae Variant Classification Sherloc (09022015). Collection method: clinical testing. Allele origin: germline.